The following is an entry in ClinVar:

ClinVar aggregate classification (germline): Uncertain significance (1 of 4 stars; one submission).

Submission:

Labcorp Genetics (formerly Invitae), Labcorp
Classification: Uncertain significance. Last evaluated: 2022-06-10. Review status: criteria provided, single submitter. Criteria: Invitae Variant Classification Sherloc (09022015). Collection method: clinical testing. Allele origin: germline.
Comment: In summary, the available evidence is currently insufficient to determine the role of this variant in disease. Therefore, it has been classified as a Variant of Uncertain Significance. Experimental studies and prediction algorithms are not available or were not evaluated, and the functional significance of this variant is currently unknown. This variant has not been reported in the literature in individuals affected with POC5-related conditions. This variant is present in population databases (rs767250204, gnomAD 0.003%). This variant, c.1557_1559del, results in the deletion of 1 amino acid(s) of the POC5 protein (p.Val520del), but otherwise preserves the integrity of the reading frame.

NM_001099271.2(POC5):c.1554TGT[1] (p.Val520del)

Gene: POC5 (POC5 centriolar protein; minus strand). Cytogenetic location: 5q13.3.
Variant type: Microsatellite.
Coding change: c.1554TGT[1] on transcript NM_001099271.2 (MANE Select); one copy of the 3-base unit TGT starting at c.1554; the reference has two copies in a row; one copy, 3 bases deleted.
Protein change: p.Val520del; deletes valine 520.
Molecular consequence: inframe deletion.
Genome position (GRCh38, 1-based): chr5:75,677,799-75,677,801, ACA deleted on the plus strand (TGT on the coding strand, the reverse complement: POC5 is on the minus strand); deleting any 3 consecutive bases within chr5:75,677,799-75,677,806 gives the same sequence; the position shown is the placement nearest the transcript's 3' end. VCF-style (leftmost placement, unchanged base first): chr5-75677798-CACA-C. GRCh37 (hg19) VCF-style: chr5-74973623-CACA-C.
Other names: c.1479TGT[1], p.Val495del (NM_152408.3); short protein forms V495del, V520del.
Identifiers: ClinVar variation 1917102 (VCV001917102.5), dbSNP rs767250204, ClinGen allele CA3310292.